The following is an entry in ClinVar:

ClinVar aggregate classification (germline): Uncertain significance. Review status: criteria provided, multiple submitters, no conflicts (2 of 4 stars). 2 submissions from 2 submitters: Uncertain significance (2). Last evaluated 2026-02-20.

Conditions:
CDH23-related disorder. Also called: CDH23-related disorders; CDH23-related condition.

Allele frequency attached by ClinVar (database versions not stated): gnomAD 0.00001; gnomAD exomes 0.00001; ExAC 0.00002; 1000 Genomes Project 30x 0.00016; 1000 Genomes Project 0.00020.
gnomAD v4.1: 14 of 1,612,502 alleles (0.00087%); highest among the groups gnomAD compares: African/African-American, 0.0093%; no homozygotes.

Submissions (2):

PreventionGenetics, part of Exact Sciences
Classification: Uncertain significance for CDH23-related condition. Last evaluated: 2026-02-20. Review status: criteria provided, single submitter. Criteria: ACMG Guidelines, 2015. Collection method: clinical testing. Allele origin: germline.
Comment: The CDH23 c.3353G>T variant is predicted to result in the amino acid substitution p.Gly1118Val. To our knowledge, this variant has not been reported in the literature. This variant is reported in 0.0066% of alleles in individuals of African descent in gnomAD. At this time, the clinical significance of this variant is uncertain due to the absence of conclusive functional and genetic evidence.

Labcorp Genetics (formerly Invitae), Labcorp
Classification: Uncertain significance. Last evaluated: 2026-02-01. Review status: criteria provided, single submitter. Criteria: Invitae Variant Classification Sherloc (09022015). Collection method: clinical testing. Allele origin: germline.
Comment: This sequence change replaces glycine, which is neutral and non-polar, with valine, which is neutral and non-polar, at codon 1118 of the CDH23 protein (p.Gly1118Val). This variant is present in population databases (rs529191251, gnomAD 0.007%). This variant has not been reported in the literature in individuals affected with CDH23-related conditions. ClinVar contains an entry for this variant (Variation ID: 2167747). Invitae Evidence Modeling of protein sequence and biophysical properties (such as structural, functional, and spatial information, amino acid conservation, physicochemical variation, residue mobility, and thermodynamic stability) has been performed for this missense variant. However, the output from this modeling did not meet the statistical confidence thresholds required to predict the impact of this variant on CDH23 protein function. In summary, the available evidence is currently insufficient to determine the role of this variant in disease. Therefore, it has been classified as a Variant of Uncertain Significance.

NM_022124.6(CDH23):c.3353G>T (p.Gly1118Val)

Genes: C10orf105 (chromosome 10 open reading frame 105; minus strand), CDH23 (cadherin related 23; plus strand). Cytogenetic location: 10q22.1.
Variant type: single nucleotide variant.
Coding change: c.3353G>T on transcript NM_022124.6 (MANE Select); coding-DNA position 3353, G replaced by T.
Protein change: p.Gly1118Val; replaces glycine 1118 with valine.
Molecular consequence: missense variant. On other transcripts: 3 prime UTR variant (2).
Genome position (GRCh38, 1-based): chr10:71,712,797, G>T. VCF-style: chr10-71712797-G-T. GRCh37 (hg19) VCF-style: chr10-73472554-G-T.
Other names: c.*3139C>A (NM_001164375.3, NM_001168390.2); c.3353G>T, p.Gly1118Val (NM_001171930.2); c.3353G>T (NM_022124.5); short protein forms G1118V.
Identifiers: ClinVar variation 2167747 (VCV002167747.3), dbSNP rs529191251, ClinGen allele CA5544557.